The following is an entry in ClinVar:

NM_001384474.1(LOXHD1):c.409C>T (p.Arg137Cys)

Gene: LOXHD1 (lipoxygenase homology PLAT domains 1; minus strand). Cytogenetic location: 18q21.1.
Variant type: single nucleotide variant.
Coding change: c.409C>T on transcript NM_001384474.1 (MANE Select); coding-DNA position 409, C replaced by T.
Protein change: p.Arg137Cys; replaces arginine 137 with cysteine.
Molecular consequence: missense variant.
Genome position (GRCh38, 1-based): chr18:46,639,718, G>A on the plus strand (C>T on the coding strand, the complement: LOXHD1 is on the minus strand). VCF-style: chr18-46639718-G-A. GRCh37 (hg19) VCF-style: chr18-44219681-G-A.
Other names: c.409C>T, p.Arg137Cys (NM_144612.7); short protein forms R137C.
Identifiers: ClinVar variation 326880 (VCV000326880.32), dbSNP rs369244277, ClinGen allele CA8952925.

ClinVar aggregate classification (germline): Uncertain significance. Review status: criteria provided, multiple submitters, no conflicts (2 of 4 stars). 5 submissions from 5 submitters: Uncertain significance (5). Last evaluated 2023-12-17.

Conditions:
Inborn genetic diseases. Identifiers: MedGen C0950123, MeSH D030342.
Autosomal recessive nonsyndromic hearing loss 77. Identifiers: Orphanet 90636, MedGen C2746083, MONDO:0013119, OMIM 613079.

Allele frequency attached by ClinVar (database versions not stated): gnomAD 0.00003 and 0.00002; gnomAD exomes 0.00004 and 0.00006; ExAC 0.00009; ESP Exome Variant Server 0.00022; TOPMed 0.00002.
gnomAD v4.1: 62 of 1,551,568 alleles (0.004%); highest among the groups gnomAD compares: South Asian, 0.0059%; no homozygotes.

Submissions (5):

Ambry Genetics
Classification: Uncertain significance for Inborn genetic diseases. Last evaluated: 2023-12-17. Review status: criteria provided, single submitter. Criteria: Ambry Variant Classification Scheme 2023. Collection method: clinical testing. Allele origin: germline.

CeGaT Center for Human Genetics Tuebingen
Classification: Uncertain significance. Last evaluated: 2023-10-01. Review status: criteria provided, single submitter. Criteria: CeGaT Center For Human Genetics Tuebingen Variant Classification Criteria Version 2. Collection method: clinical testing. Allele origin: germline. Affected: yes. Observed: 1 variant allele.
Comment: LOXHD1: PM2

Labcorp Genetics (formerly Invitae), Labcorp
Classification: Uncertain significance. Last evaluated: 2022-01-01. Review status: criteria provided, single submitter. Criteria: Invitae Variant Classification Sherloc (09022015). Collection method: clinical testing. Allele origin: germline.
Comment: This sequence change replaces arginine, which is basic and polar, with cysteine, which is neutral and slightly polar, at codon 137 of the LOXHD1 protein (p.Arg137Cys). This variant is present in population databases (rs369244277, gnomAD 0.01%). This variant has not been reported in the literature in individuals affected with LOXHD1-related conditions. ClinVar contains an entry for this variant (Variation ID: 326880). Algorithms developed to predict the effect of missense changes on protein structure and function are either unavailable or do not agree on the potential impact of this missense change (SIFT: "Deleterious"; PolyPhen-2: "Benign"; Align-GVGD: "Class C0"). In summary, the available evidence is currently insufficient to determine the role of this variant in disease. Therefore, it has been classified as a Variant of Uncertain Significance.

Illumina Laboratory Services, Illumina
Classification: Uncertain significance for Autosomal recessive nonsyndromic hearing loss 77. Last evaluated: 2018-01-12. Review status: criteria provided, single submitter. Criteria: ICSL Variant Classification Criteria 13 December 2019. Collection method: clinical testing. Allele origin: germline.

Breakthrough Genomics
Classification: Uncertain significance. Review status: criteria provided, single submitter. Criteria: ACMG Guidelines, 2015. Collection method: not provided. Allele origin: germline. Inheritance: Autosomal recessive inheritance. Affected: yes.